The following is an entry in ClinVar:

ClinVar aggregate classification (germline): Uncertain significance (1 of 4 stars; one submission).

gnomAD v4.1: 1 of 1,614,204 alleles (0.000062%); highest among the groups gnomAD compares: Non-Finnish European, 0.000085%; no homozygotes.

Submission:

Labcorp Genetics (formerly Invitae), Labcorp
Classification: Uncertain significance. Last evaluated: 2025-11-28. Review status: criteria provided, single submitter. Criteria: Invitae Variant Classification Sherloc (09022015). Collection method: clinical testing. Allele origin: germline.
Comment: This sequence change replaces glutamic acid, which is acidic and polar, with aspartic acid, which is acidic and polar, at codon 407 of the KRT71 protein (p.Glu407Asp). This variant is not present in population databases (gnomAD no frequency). This variant has not been reported in the literature in individuals affected with KRT71-related conditions. An algorithm developed to predict the effect of missense changes on protein structure and function (PolyPhen-2) suggests that this variant is likely to be disruptive. In summary, the available evidence is currently insufficient to determine the role of this variant in disease. Therefore, it has been classified as a Variant of Uncertain Significance.

NM_033448.3(KRT71):c.1221G>C (p.Glu407Asp)

Gene: KRT71 (keratin 71; minus strand). Cytogenetic location: 12q13.13.
Variant type: single nucleotide variant.
Coding change: c.1221G>C on transcript NM_033448.3 (MANE Select); coding-DNA position 1221, G replaced by C.
Protein change: p.Glu407Asp; replaces glutamic acid 407 with aspartic acid.
Molecular consequence: missense variant.
Genome position (GRCh38, 1-based): chr12:52,546,390, C>G on the plus strand (G>C on the coding strand, the complement: KRT71 is on the minus strand). VCF-style: chr12-52546390-C-G. GRCh37 (hg19) VCF-style: chr12-52940174-C-G.
Other names: short protein forms E407D.
Identifiers: ClinVar variation 4730473 (VCV004730473.1).